The following is an entry in ClinVar:

NM_058216.3(RAD51C):c.704del (p.Lys235fs)

Genes: RAD51C (RAD51 paralog C; plus strand), LOC129390903 (MPRA-validated peak2919 silencer; plus strand). Cytogenetic location: 17q22.
Variant type: Deletion.
Coding change: c.704del on transcript NM_058216.3 (MANE Select); coding-DNA position 704, one base deleted (A; older notation c.704delA).
Protein change: p.Lys235fs; shifts the reading frame from lysine 235.
Molecular consequence: frameshift variant. On other transcripts: non-coding transcript variant (1).
Genome position (GRCh38, 1-based): chr17:58,703,328, A deleted; the last of 3 consecutive A bases (chr17:58,703,326-58,703,328); deleting any one gives the same sequence. VCF-style (leftmost placement, unchanged base first): chr17-58703325-CA-C. GRCh37 (hg19) VCF-style: chr17-56780686-CA-C.
Other names: short protein forms K235fs.
Identifiers: ClinVar variation 967734 (VCV000967734.8), dbSNP rs1567794476, ClinGen allele CA1139665729.
Genomic context (GRCh38, chr17:58,703,325, plus strand): 5'-GTGACTACACAGAGTTACTGGCACAAGTTTATCTTCTTCCAGATTTCCTTTCAGAACACT[CA>C]AAGGTATGAGTCAGACTACTGAAATGTAACTAACCAAGTATTTTTTGAGGTGTTTGATAA-3'

ClinVar aggregate classification (germline): Pathogenic (1 of 4 stars; one submission).

Conditions:
Fanconi anemia complementation group O. Also called: RAD51C-Related Fanconi Anemia. Identifiers: Orphanet 84, MedGen C3150653, MONDO:0013248, OMIM 613390.

Submission:

Labcorp Genetics (formerly Invitae), Labcorp
Classification: Pathogenic for Fanconi anemia complementation group O. Last evaluated: 2025-03-17. Review status: criteria provided, single submitter. Criteria: Invitae Variant Classification Sherloc (09022015). Collection method: clinical testing. Allele origin: germline.
Comment: This sequence change creates a premature translational stop signal (p.Lys235Argfs*4) in the RAD51C gene. It is expected to result in an absent or disrupted protein product. Loss-of-function variants in RAD51C are known to be pathogenic (PMID: 20400964, 21990120, 24800917, 29278735). This variant is not present in population databases (gnomAD no frequency). This variant has not been reported in the literature in individuals affected with RAD51C-related conditions. ClinVar contains an entry for this variant (Variation ID: 967734). For these reasons, this variant has been classified as Pathogenic.

Literature cited by the submitters: PubMed 20400964; PubMed 21990120; PubMed 24800917; PubMed 29278735.